The following is an entry in ClinVar:

ClinVar aggregate classification (germline): Uncertain significance (1 of 4 stars; one submission).

Conditions:
Neurodevelopmental disorder with or without hyperkinetic movements and seizures, autosomal dominant. Also called: Intellectual disability, autosomal dominant 8. Identifiers: MedGen C3280282, MONDO:0013655, OMIM 614254.

Submission:

Labcorp Genetics (formerly Invitae), Labcorp
Classification: Uncertain significance for Neurodevelopmental disorder with or without hyperkinetic movements and seizures, autosomal dominant. Last evaluated: 2022-09-28. Review status: criteria provided, single submitter. Criteria: Invitae Variant Classification Sherloc (09022015). Collection method: clinical testing. Allele origin: germline.
Comment: In summary, the available evidence is currently insufficient to determine the role of this variant in disease. Therefore, it has been classified as a Variant of Uncertain Significance. Advanced modeling of protein sequence and biophysical properties (such as structural, functional, and spatial information, amino acid conservation, physicochemical variation, residue mobility, and thermodynamic stability) has been performed at Invitae for this missense variant, however the output from this modeling did not meet the statistical confidence thresholds required to predict the impact of this variant on GRIN1 protein function. This variant has not been reported in the literature in individuals affected with GRIN1-related conditions. This variant is not present in population databases (gnomAD no frequency). This sequence change replaces tyrosine, which is neutral and polar, with asparagine, which is neutral and polar, at codon 245 of the GRIN1 protein (p.Tyr245Asn).

NM_007327.4(GRIN1):c.733T>A (p.Tyr245Asn)

Gene: GRIN1 (glutamate ionotropic receptor NMDA type subunit 1; plus strand). Cytogenetic location: 9q34.3.
Variant type: single nucleotide variant.
Coding change: c.733T>A on transcript NM_007327.4 (MANE Select); coding-DNA position 733, T replaced by A.
Protein change: p.Tyr245Asn; replaces tyrosine 245 with asparagine.
Molecular consequence: missense variant.
Genome position (GRCh38, 1-based): chr9:137,156,730, T>A. VCF-style: chr9-137156730-T-A. GRCh37 (hg19) VCF-style: chr9-140051182-T-A.
Other names: c.733T>A, p.Tyr245Asn (NM_000832.7, NM_021569.4); c.796T>A, p.Tyr266Asn (NM_001185090.2, NM_001185091.2); short protein forms Y245N, Y266N.
Identifiers: ClinVar variation 1720625 (VCV001720625.6), dbSNP rs2538595157, ClinGen allele CA375714747.
Genomic context (GRCh38, chr9:137,156,730, plus strand): 5'-GAGGACGATGCTGCCACTGTATACCGCGCAGCCGCGATGCTGAACATGACGGGCTCCGGG[T>A]ACGTGTGGCTGGTCGGCGAGCGCGAGATCTCGGGGAACGCCCTGCGCTACGCCCCAGACG-3'
Protein context (NP_015566.1, residues 235-255): AAMLNMTGSG[Tyr245Asn]VWLVGEREIS